The following is an entry in ClinVar:

NM_001374353.1(GLI2):c.4307T>G (p.Met1436Arg)

Gene: GLI2 (GLI family zinc finger 2; plus strand). Cytogenetic location: 2q14.2.
Variant type: single nucleotide variant.
Coding change: c.4307T>G on transcript NM_001374353.1 (MANE Select); coding-DNA position 4307, T replaced by G.
Protein change: p.Met1436Arg; replaces methionine 1436 with arginine.
Molecular consequence: missense variant.
Genome position (GRCh38, 1-based): chr2:120,990,272, T>G. VCF-style: chr2-120990272-T-G. GRCh37 (hg19) VCF-style: chr2-121747848-T-G.
Other names: c.4358T>G, p.Met1453Arg (NM_001371271.1, NM_005270.5); c.3932T>G, p.Met1311Arg (NM_001374354.1); short protein forms M1311R, M1436R, M1453R.
Identifiers: ClinVar variation 1708581 (VCV001708581.2), dbSNP rs886054818, ClinGen allele CA348179460.

ClinVar aggregate classification (germline): Uncertain significance (1 of 4 stars; one submission).

Submission:

GeneDx
Classification: Uncertain significance. Last evaluated: 2022-03-31. Review status: criteria provided, single submitter. Criteria: GeneDx Variant Classification Process June 2021. Collection method: clinical testing. Allele origin: germline. Affected: yes.
Comment: Not observed at significant frequency in large population cohorts (gnomAD); In silico analysis supports that this missense variant has a deleterious effect on protein structure/function; Has not been previously published as pathogenic or benign to our knowledge